The following is an entry in ClinVar:

ClinVar aggregate classification (germline): Uncertain significance. Review status: criteria provided, multiple submitters, no conflicts (2 of 4 stars). 2 submissions from 2 submitters: Uncertain significance (2). Last evaluated 2024-11-22.

Allele frequency attached by ClinVar (database versions not stated): gnomAD 0.00003 and 0.00004; TOPMed 0.00003.

Submissions (2):

Labcorp Genetics (formerly Invitae), Labcorp
Classification: Uncertain significance. Last evaluated: 2024-11-22. Review status: criteria provided, single submitter. Criteria: Invitae Variant Classification Sherloc (09022015). Collection method: clinical testing. Allele origin: germline.
Comment: This sequence change replaces asparagine, which is neutral and polar, with lysine, which is basic and polar, at codon 111 of the ZNF408 protein (p.Asn111Lys). This variant is present in population databases (rs757472255, gnomAD 0.004%). This variant has not been reported in the literature in individuals affected with ZNF408-related conditions. ClinVar contains an entry for this variant (Variation ID: 964232). An algorithm developed to predict the effect of missense changes on protein structure and function (PolyPhen-2) suggests that this variant is likely to be tolerated. In summary, the available evidence is currently insufficient to determine the role of this variant in disease. Therefore, it has been classified as a Variant of Uncertain Significance.

Blueprint Genetics
Classification: Uncertain significance. Last evaluated: 2020-11-24. Review status: criteria provided, single submitter. Criteria: ACMG Guidelines, 2015. Collection method: clinical testing. Allele origin: germline.

NM_024741.3(ZNF408):c.333C>G (p.Asn111Lys)

Gene: ZNF408 (zinc finger protein 408; plus strand). Cytogenetic location: 11p11.2.
Variant type: single nucleotide variant.
Coding change: c.333C>G on transcript NM_024741.3 (MANE Select); coding-DNA position 333, C replaced by G.
Protein change: p.Asn111Lys; replaces asparagine 111 with lysine.
Molecular consequence: missense variant.
Genome position (GRCh38, 1-based): chr11:46,702,706, C>G. VCF-style: chr11-46702706-C-G. GRCh37 (hg19) VCF-style: chr11-46724256-C-G.
Other names: c.309C>G, p.Asn103Lys (NM_001184751.2); short protein forms N103K, N111K.
Identifiers: ClinVar variation 964232 (VCV000964232.8), dbSNP rs757472255, ClinGen allele CA5966313.